The following is an entry in ClinVar:

NM_001130438.3(SPTAN1):c.678C>G (p.Ile226Met)

Gene: SPTAN1 (spectrin alpha, non-erythrocytic 1; plus strand). Cytogenetic location: 9q34.11.
Variant type: single nucleotide variant.
Coding change: c.678C>G on transcript NM_001130438.3 (MANE Select); coding-DNA position 678, C replaced by G.
Protein change: p.Ile226Met; replaces isoleucine 226 with methionine.
Molecular consequence: missense variant.
Genome position (GRCh38, 1-based): chr9:128,576,849, C>G. VCF-style: chr9-128576849-C-G. GRCh37 (hg19) VCF-style: chr9-131339128-C-G.
Other names: c.678C>G, p.Ile226Met (NM_001195532.2, NM_001363759.2, NM_001363765.2 and 10 more transcripts); c.714C>G, p.Ile238Met (NM_001375312.2, NM_001375318.1, NM_001438440.1); short protein forms I226M, I238M.
Identifiers: ClinVar variation 5040226 (VCV005040226.1).

ClinVar aggregate classification (germline): Uncertain significance (1 of 4 stars; one submission).

gnomAD v4.1: 1 of 1,613,926 alleles (0.000062%); highest among the groups gnomAD compares: Non-Finnish European, 0.000085%; no homozygotes.

Submission:

CeGaT Center for Human Genetics Tuebingen
Classification: Uncertain significance. Last evaluated: 2026-07-01. Review status: criteria provided, single submitter. Criteria: CeGaT Center For Human Genetics Tuebingen Variant Classification Criteria Version 2. Collection method: clinical testing. Allele origin: germline. Affected: yes. Observed: 1 variant allele.
Comment: SPTAN1: PM2